The following is an entry in ClinVar:

ClinVar aggregate classification (germline): Uncertain significance (1 of 4 stars; one submission).

Submission:

Labcorp Genetics (formerly Invitae), Labcorp
Classification: Uncertain significance. Last evaluated: 2022-03-17. Review status: criteria provided, single submitter. Criteria: Invitae Variant Classification Sherloc (09022015). Collection method: clinical testing. Allele origin: germline.
Comment: This sequence change replaces leucine, which is neutral and non-polar, with phenylalanine, which is neutral and non-polar, at codon 1380 of the CUL7 protein (p.Leu1380Phe). This variant is not present in population databases (gnomAD no frequency). This variant has not been reported in the literature in individuals affected with CUL7-related conditions. Algorithms developed to predict the effect of missense changes on protein structure and function output the following: SIFT: "Tolerated"; PolyPhen-2: "Benign"; Align-GVGD: "Class C0". The phenylalanine amino acid residue is found in multiple mammalian species, which suggests that this missense change does not adversely affect protein function. In summary, the available evidence is currently insufficient to determine the role of this variant in disease. Therefore, it has been classified as a Variant of Uncertain Significance.

NM_014780.5(CUL7):c.4138C>T (p.Leu1380Phe)

Gene: CUL7 (cullin 7; minus strand). Cytogenetic location: 6p21.1.
Variant type: single nucleotide variant.
Coding change: c.4138C>T on transcript NM_014780.5 (MANE Select); coding-DNA position 4138, C replaced by T.
Protein change: p.Leu1380Phe; replaces leucine 1380 with phenylalanine.
Molecular consequence: missense variant.
Genome position (GRCh38, 1-based): chr6:43,040,312, G>A on the plus strand (C>T on the coding strand, the complement: CUL7 is on the minus strand). VCF-style: chr6-43040312-G-A. GRCh37 (hg19) VCF-style: chr6-43008050-G-A.
Other names: c.4234C>T, p.Leu1412Phe (NM_001168370.2, NM_001374872.1); c.4138C>T, p.Leu1380Phe (NM_001374873.1); c.4135C>T, p.Leu1379Phe (NM_001374874.1); short protein forms L1380F, L1379F, L1412F.
Identifiers: ClinVar variation 2113225 (VCV002113225.4), dbSNP rs2532597977, ClinGen allele CA364195299.